The following is an entry in ClinVar:

ClinVar aggregate classification (germline): Uncertain significance. Review status: criteria provided, single submitter (1 of 4 stars). 2 submissions from 2 submitters: Uncertain significance (1). 1 of the submissions does not count toward it. Last evaluated 2025-05-25.

Conditions:
PKDCC-related disorder. Also called: PKDCC-related condition.
Inborn genetic diseases. Identifiers: MedGen C0950123, MeSH D030342.

Submissions (2):

Ambry Genetics
Classification: Uncertain significance for Inborn genetic diseases. Last evaluated: 2025-05-25. Review status: criteria provided, single submitter. Criteria: Ambry Variant Classification Scheme 2023. Collection method: clinical testing. Allele origin: germline.

PreventionGenetics, part of Exact Sciences
Classification: Uncertain significance for PKDCC-related condition. Last evaluated: 2024-08-28. Review status: no assertion criteria provided. Collection method: clinical testing. Allele origin: germline. Not counted in ClinVar's aggregate classification.
Comment: The PKDCC c.1183G>C variant is predicted to result in the amino acid substitution p.Gly395Arg. To our knowledge, this variant has not been reported in the literature. This variant is reported in 0.14% of alleles in individuals of East Asian descent in gnomAD. At this time, the clinical significance of this variant is uncertain due to the absence of conclusive functional and genetic evidence.

NM_138370.3(PKDCC):c.1183G>C (p.Gly395Arg)

Gene: PKDCC (protein kinase domain containing, cytoplasmic; plus strand). Cytogenetic location: 2p21.
Variant type: single nucleotide variant.
Coding change: c.1183G>C on transcript NM_138370.3 (MANE Select); coding-DNA position 1183, G replaced by C.
Protein change: p.Gly395Arg; replaces glycine 395 with arginine.
Molecular consequence: missense variant.
Genome position (GRCh38, 1-based): chr2:42,055,354, G>C. VCF-style: chr2-42055354-G-C. GRCh37 (hg19) VCF-style: chr2-42282494-G-C.
Other names: short protein forms G395R.
Identifiers: ClinVar variation 3349961 (VCV003349961.2).
Genomic context (GRCh38, chr2:42,055,354, plus strand): 5'-GCCTGGGGGGTGGACGAGACCCTGGCCCAGCTGGAGAAGGTGCTGCACCTGTACCGGAGC[G>C]GGCAGTATCTGCAGAACTCCACGGCAAGCAGCAGTACCGGTGAGTGGCCCCAAGCTGATC-3'
Protein context (NP_612379.2, residues 385-405): LEKVLHLYRS[Gly395Arg]QYLQNSTASS